The following is an entry in ClinVar:

NM_014043.4(CHMP2B):c.268A>G (p.Lys90Glu)

Gene: CHMP2B (charged multivesicular body protein 2B; plus strand). Cytogenetic location: 3p11.2.
Variant type: single nucleotide variant.
Coding change: c.268A>G on transcript NM_014043.4 (MANE Select); coding-DNA position 268, A replaced by G.
Protein change: p.Lys90Glu; replaces lysine 90 with glutamic acid.
Molecular consequence: missense variant.
Genome position (GRCh38, 1-based): chr3:87,245,855, A>G. VCF-style: chr3-87245855-A-G. GRCh37 (hg19) VCF-style: chr3-87295005-A-G.
Other names: c.145A>G, p.Lys49Glu (NM_001244644.2); short protein forms K90E, K49E.
Identifiers: ClinVar variation 858063 (VCV000858063.7), dbSNP rs1706202120, ClinGen allele CA353697048.

ClinVar aggregate classification (germline): Uncertain significance (1 of 4 stars; one submission).

Conditions:
Frontotemporal dementia and/or amyotrophic lateral sclerosis 7 (FTDALS7). Also called: AMYOTROPHIC LATERAL SCLEROSIS, CHMP2B-RELATED; Amyotrophic lateral sclerosis 17; CHMP2B-Related Frontotemporal Dementia-Amyotrophic Lateral Sclerosis; CHMP2B-related frontotemporal dementia. Identifiers: Orphanet 275864, Orphanet 282, Orphanet 803, MedGen C1833296, MONDO:0010936, OMIM 600795.

Allele frequency attached by ClinVar (database versions not stated): gnomAD below 0.00001 and 0.00001; gnomAD exomes 0.00001.
gnomAD v4.1: 11 of 1,613,490 alleles (0.00068%); highest among the groups gnomAD compares: South Asian, 0.0088%; no homozygotes.

Submission:

Labcorp Genetics (formerly Invitae), Labcorp
Classification: Uncertain significance for Frontotemporal dementia and/or amyotrophic lateral sclerosis 7. Last evaluated: 2019-12-04. Review status: criteria provided, single submitter. Criteria: Invitae Variant Classification Sherloc (09022015). Collection method: clinical testing. Allele origin: germline.
Comment: Algorithms developed to predict the effect of missense changes on protein structure and function (SIFT, PolyPhen-2, Align-GVGD) all suggest that this variant is likely to be tolerated, but these predictions have not been confirmed by published functional studies and their clinical significance is uncertain. This variant has not been reported in the literature in individuals with CHMP2B-related conditions. This variant is not present in population databases (ExAC no frequency). This sequence change replaces lysine with glutamic acid at codon 90 of the CHMP2B protein (p.Lys90Glu). The lysine residue is moderately conserved and there is a small physicochemical difference between lysine and glutamic acid. Algorithms developed to predict the effect of sequence changes on RNA splicing suggest that this variant may create or strengthen a splice site, but this prediction has not been confirmed by published transcriptional studies. In summary, the available evidence is currently insufficient to determine the role of this variant in disease. Therefore, it has been classified as a Variant of Uncertain Significance.